The following is an entry in ClinVar:

NM_016169.4(SUFU):c.1157+4A>G

Gene: SUFU (SUFU negative regulator of hedgehog signaling; plus strand). Cytogenetic location: 10q24.32.
Variant type: single nucleotide variant.
Coding change: c.1157+4A>G on transcript NM_016169.4 (MANE Select); 4 bases into the intron after coding-DNA position 1157, A replaced by G.
Molecular consequence: intron variant.
Genome position (GRCh38, 1-based): chr10:102,615,406, A>G. VCF-style: chr10-102615406-A-G. GRCh37 (hg19) VCF-style: chr10-104375163-A-G.
Other names: c.1157+4A>G (NM_001178133.2).
Identifiers: ClinVar variation 3451121 (VCV003451121.1).

ClinVar aggregate classification (germline): Uncertain significance (1 of 4 stars; one submission).

Conditions:
Hereditary cancer-predisposing syndrome. Also called: Tumor predisposition; Neoplastic Syndromes, Hereditary; Hereditary neoplastic syndrome; Hereditary Cancer Syndrome. Identifiers: Orphanet 140162, MedGen C0027672, MeSH D009386, MONDO:0015356.

Submission:

Ambry Genetics
Classification: Uncertain significance for Hereditary cancer-predisposing syndrome. Last evaluated: 2024-07-11. Review status: criteria provided, single submitter. Criteria: Ambry Variant Classification Scheme 2023. Collection method: clinical testing. Allele origin: germline.
Comment: The c.1157+4A>G intronic variant results from an A to G substitution 4 nucleotides after coding exon 9 in the SUFU gene. This nucleotide position is highly conserved in available vertebrate species. In silico splice site analysis predicts that this alteration will not have any significant effect on splicing. Based on the available evidence, the clinical significance of this variant remains unclear.